The following is an entry in ClinVar:

NM_152296.5(ATP1A3):c.2027C>T (p.Thr676Ile)

Gene: ATP1A3 (ATPase Na+/K+ transporting subunit alpha 3; minus strand). Cytogenetic location: 19q13.2.
Variant type: single nucleotide variant.
Coding change: c.2027C>T on transcript NM_152296.5 (MANE Select); coding-DNA position 2027, C replaced by T.
Protein change: p.Thr676Ile; replaces threonine 676 with isoleucine.
Molecular consequence: missense variant.
Genome position (GRCh38, 1-based): chr19:41,976,483, G>A on the plus strand (C>T on the coding strand, the complement: ATP1A3 is on the minus strand). VCF-style: chr19-41976483-G-A. GRCh37 (hg19) VCF-style: chr19-42480635-G-A.
Other names: c.2060C>T, p.Thr687Ile (NM_001256213.2); c.2066C>T, p.Thr689Ile (NM_001256214.2); short protein forms T676I, T689I, T687I.
Identifiers: ClinVar variation 2006772 (VCV002006772.4), dbSNP rs2514050461, ClinGen allele CA406042997.

ClinVar aggregate classification (germline): Uncertain significance (1 of 4 stars; one submission).

Conditions:
Dystonia 12 (DYT12). Also called: Rapid-Onset Dystonia-Parkinsonism (RDP); DYT-ATP1A3. Identifiers: Orphanet 71517, MedGen C1868681, MONDO:0007496, OMIM 128235.

Submission:

Labcorp Genetics (formerly Invitae), Labcorp
Classification: Uncertain significance for Dystonia 12. Last evaluated: 2023-10-13. Review status: criteria provided, single submitter. Criteria: Invitae Variant Classification Sherloc (09022015). Collection method: clinical testing. Allele origin: germline.
Comment: This sequence change replaces threonine, which is neutral and polar, with isoleucine, which is neutral and non-polar, at codon 676 of the ATP1A3 protein (p.Thr676Ile). This variant is not present in population databases (gnomAD no frequency). This variant has not been reported in the literature in individuals affected with ATP1A3-related conditions. ClinVar contains an entry for this variant (Variation ID: 2006772). Advanced modeling of protein sequence and biophysical properties (such as structural, functional, and spatial information, amino acid conservation, physicochemical variation, residue mobility, and thermodynamic stability) performed at Invitae indicates that this missense variant is expected to disrupt ATP1A3 protein function. In summary, the available evidence is currently insufficient to determine the role of this variant in disease. Therefore, it has been classified as a Variant of Uncertain Significance.